The following is an entry in ClinVar:

ClinVar aggregate classification (germline): Benign/Likely benign. Review status: criteria provided, multiple submitters, no conflicts (2 of 4 stars). 4 submissions from 4 submitters: Benign (3); Likely benign (1). Last evaluated 2026-06-12.

Conditions:
SORL1-related disorder. Also called: SORL1-related condition.

Allele frequency attached by ClinVar (database versions not stated): ESP Exome Variant Server 0.00015; gnomAD exomes 0.00048 and 0.00191; gnomAD 0.00078 and 0.00088; TOPMed 0.00123; ExAC 0.00157; 1000 Genomes Project 30x 0.00265; 1000 Genomes Project 0.00300.
gnomAD v4.1: 832 of 1,614,188 alleles (0.052%); highest among the groups gnomAD compares: Admixed American, 0.84%; 2 homozygotes.

Submissions (4):

PreventionGenetics, part of Exact Sciences
Classification: Benign for SORL1-related condition. Last evaluated: 2026-06-12. Review status: criteria provided, single submitter. Criteria: ACMG Guidelines, 2015. Collection method: clinical testing. Allele origin: germline.
Comment: This variant is classified as benign based on ACMG/AMP sequence variant interpretation guidelines (Richards et al. 2015 PMID: 25741868, with internal and published modifications).

Labcorp Genetics (formerly Invitae), Labcorp
Classification: Benign. Last evaluated: 2026-01-27. Review status: criteria provided, single submitter. Criteria: Invitae Variant Classification Sherloc (09022015). Collection method: clinical testing. Allele origin: germline.

Blueprint Genetics
Classification: Likely benign. Last evaluated: 2024-11-27. Review status: criteria provided, single submitter. Criteria: ACMG Guidelines, 2015. Collection method: clinical testing. Allele origin: germline.

Breakthrough Genomics
Classification: Benign. Review status: criteria provided, single submitter. Criteria: ACMG Guidelines, 2015. Collection method: not provided. Allele origin: germline. Inheritance: Unknown mechanism. Affected: yes.

NM_003105.6(SORL1):c.1890C>T (p.Tyr630=)

Gene: SORL1 (sortilin related receptor 1; plus strand). Cytogenetic location: 11q24.1.
Variant type: single nucleotide variant.
Coding change: c.1890C>T on transcript NM_003105.6 (MANE Select); coding-DNA position 1890, C replaced by T.
Protein change: p.Tyr630=; no amino-acid change (tyrosine 630 retained).
Molecular consequence: synonymous variant.
Genome position (GRCh38, 1-based): chr11:121,545,268, C>T. VCF-style: chr11-121545268-C-T. GRCh37 (hg19) VCF-style: chr11-121415977-C-T.
Identifiers: ClinVar variation 717362 (VCV000717362.13), dbSNP rs140945867, ClinGen allele CA6328775.
Genomic context (GRCh38, chr11:121,545,268, plus strand): 5'-CTCTAATGCTTCGTGCTGTGTTCCTTTTTCTTTAGGAGTTCCCTGCACAGAGAATGACTA[C>T]AAGCTGTGGTCACCATCTGATGAGCGGGGGAATGAGTGTTTGCTGGGACACAAGACTGTT-3'
Protein context (NP_003096.2, residues 620-640): ALGVPCTEND[Tyr630=]KLWSPSDERG